The following is an entry in ClinVar:

NM_000742.4(CHRNA2):c.1105dup (p.Ala369fs)

Gene: CHRNA2 (cholinergic receptor nicotinic alpha 2 subunit; minus strand). Cytogenetic location: 8p21.2.
Variant type: Duplication.
Coding change: c.1105dup on transcript NM_000742.4 (MANE Select); coding-DNA position 1105, one base duplicated (G; older notation c.1105dupG).
Protein change: p.Ala369fs; shifts the reading frame from alanine 369.
Molecular consequence: frameshift variant.
Genome position (GRCh38, 1-based): chr8:27,463,338, C duplicated on the plus strand (G on the coding strand, the reverse complement: CHRNA2 is on the minus strand); the first of 6 consecutive C bases (chr8:27,463,338-27,463,343); duplicating any one gives the same sequence. VCF-style (leftmost placement, unchanged base first): chr8-27463337-G-GC. GRCh37 (hg19) VCF-style: chr8-27320854-G-GC.
Other names: c.1060dup, p.Ala354fs (NM_001282455.2); c.628dup, p.Ala210fs (NM_001347705.2, NM_001347706.2); c.511dup, p.Ala171fs (NM_001347707.2, NM_001347708.2); short protein forms A171fs, A210fs, A369fs, A354fs.
Identifiers: ClinVar variation 587981 (VCV000587981.13), dbSNP rs757376257, ClinGen allele CA4689525.

ClinVar aggregate classification (germline): Conflicting classifications of pathogenicity. Review status: criteria provided, conflicting classifications (1 of 4 stars). 3 submissions from 3 submitters: Likely pathogenic (1); Uncertain significance (2). Last evaluated 2025-11-13.

Conditions:
Familial sleep-related hypermotor epilepsy. Also called: Autosomal Dominant Sleep-Related Hypermotor (Hyperkinetic) Epilepsy. Identifiers: Orphanet 98784, MedGen C3696898, MONDO:0000030.
Inborn genetic diseases. Identifiers: MedGen C0950123, MeSH D030342.
Autosomal dominant nocturnal frontal lobe epilepsy 4. Also called: EPILEPSY, FAMILIAL, WITH NOCTURNAL WANDERING AND ICTAL FEAR; CHRNA2-Related Nocturnal Frontal Lobe Epilepsy, Autosomal Dominant. Identifiers: Orphanet 98784, MedGen C1835905, MONDO:0012474, OMIM 610353.

Submissions (3):

Labcorp Genetics (formerly Invitae), Labcorp
Classification: Uncertain significance. Last evaluated: 2025-11-13. Review status: criteria provided, single submitter. Criteria: Invitae Variant Classification Sherloc (09022015). Collection method: clinical testing. Allele origin: germline.
Comment: This sequence change creates a premature translational stop signal (p.Ala369Glyfs*84) in the CHRNA2 gene. It is expected to result in an absent or disrupted protein product. However, the current clinical and genetic evidence is not sufficient to establish whether loss-of-function variants in CHRNA2 cause disease. The frequency data for this variant in the population databases is considered unreliable, as metrics indicate poor data quality at this position in the gnomAD database. This variant has not been reported in the literature in individuals affected with CHRNA2-related conditions. This premature translational stop signal has been observed in at least one individual who was not affected with CHRNA2-related conditions (internal data). ClinVar contains an entry for this variant (Variation ID: 587981). In summary, the available evidence is currently insufficient to determine the role of this variant in disease. Therefore, it has been classified as a Variant of Uncertain Significance.

Genesolutions, Medical Genetics Institutes, Ho Chi Minh City, Vietnam
Classification: Likely pathogenic for Autosomal dominant nocturnal frontal lobe epilepsy 4. Last evaluated: 2025-09-24. Review status: criteria provided, single submitter. Criteria: ACMG Guidelines, 2015. Collection method: clinical testing. Allele origin: germline. Affected: yes.

Ambry Genetics
Classification: Uncertain significance for Inborn genetic diseases. Last evaluated: 2016-06-29. Review status: criteria provided, single submitter. Criteria: Ambry Variant Classification Scheme 2023. Collection method: clinical testing. Allele origin: germline.
Comment: The c.1105dupG variant, located in coding exon 5 of the CHRNA2 gene, results from a duplication of G at nucleotide position 1105, causing a translational frameshift with a predicted alternate stop codon. This variant was not reported in population based cohorts in the following databases: Database of Single Nucleotide Polymorphisms (dbSNP), NHLBI Exome Sequencing Project (ESP), and 1000 Genomes Project. In the ESP, this variant was not observed in 6502 samples (13004 alleles) with coverage at this position. As neither this specific alteration nor loss of function as a mechanism of pathogenicity have been well-described in the CHRNA2 gene, the clinical significance of this variant remains unknown (ACMG Standards and guidelines for the interpretation of sequence variants. Genet Med. 2015 May;17(5):405-23).